The following is an entry in ClinVar:

NM_001378120.1(MBD5):c.4124C>A (p.Ala1375Glu)

Gene: MBD5 (methyl-CpG binding domain protein 5; plus strand). Cytogenetic location: 2q23.1.
Variant type: single nucleotide variant.
Coding change: c.4124C>A on transcript NM_001378120.1 (MANE Select); coding-DNA position 4124, C replaced by A.
Protein change: p.Ala1375Glu; replaces alanine 1375 with glutamic acid.
Molecular consequence: missense variant.
Genome position (GRCh38, 1-based): chr2:148,489,756, C>A. VCF-style: chr2-148489756-C-A. GRCh37 (hg19) VCF-style: chr2-149247325-C-A.
Other names: c.3425C>A, p.Ala1142Glu (NM_018328.5); short protein forms A1142E, A1375E.
Identifiers: ClinVar variation 2498833 (VCV002498833.28), dbSNP rs767306594, ClinGen allele CA348728073.

ClinVar aggregate classification (germline): Uncertain significance (1 of 4 stars; one submission).

Submission:

CeGaT Center for Human Genetics Tuebingen
Classification: Uncertain significance. Last evaluated: 2023-05-01. Review status: criteria provided, single submitter. Criteria: CeGaT Center For Human Genetics Tuebingen Variant Classification Criteria Version 2. Collection method: clinical testing. Allele origin: germline. Affected: yes. Observed: 2 variant alleles.
Comment: MBD5: PM2, BP1